The following is an entry in ClinVar:

ClinVar aggregate classification (germline): Uncertain significance (1 of 4 stars; one submission).

Conditions:
Normophosphatemic familial tumoral calcinosis. Also called: CALCINOSIS, TUMORAL, WITH NORMOPHOSPHATEMIA. Identifiers: Orphanet 306658, Orphanet 53715, MedGen C1864861, MONDO:0012502, OMIM 610455.

Submission:

Myriad Genetics, Inc.
Classification: Uncertain significance for Normophosphatemic familial tumoral calcinosis. Last evaluated: 2025-11-04. Review status: criteria provided, single submitter. Criteria: Myriad Autosomal Dominant, Autosomal Recessive and X-Linked Classification Criteria (2023). Collection method: clinical testing. Allele origin: unknown.
Comment: NM_017654.3(SAMD9):c.4328dupA(N1443Kfs*9) is a frameshift variant classified as a variant of uncertain significance in the context of normophosphatemic familial tumoral calcinosis. N1443Kfs*9 has not been observed in cases with relevant disease. Relevant functional assessments of this variant are not available in the literature. N1443Kfs*9 has not been observed in referenced population frequency databases. In summary, there is insufficient evidence to classify NM_017654.3(SAMD9):c.4328dupA(N1443Kfs*9) as pathogenic or benign. Please note: this variant was assessed in the context of healthy population screening.

NM_017654.4(SAMD9):c.4328dup (p.Asn1443fs)

Gene: SAMD9 (sterile alpha motif domain containing 9; minus strand). Cytogenetic location: 7q21.2.
Variant type: Duplication.
Coding change: c.4328dup on transcript NM_017654.4 (MANE Select); coding-DNA position 4328, one base duplicated (A; older notation c.4328dupA).
Protein change: p.Asn1443fs; shifts the reading frame from asparagine 1443.
Molecular consequence: frameshift variant.
Genome position (GRCh38, 1-based): chr7:93,101,770, T duplicated on the plus strand (A on the coding strand, the reverse complement: SAMD9 is on the minus strand); the first of 4 consecutive T bases (chr7:93,101,770-93,101,773); duplicating any one gives the same sequence. VCF-style (leftmost placement, unchanged base first): chr7-93101769-A-AT. GRCh37 (hg19) VCF-style: chr7-92731082-A-AT.
Other names: c.4328dup, p.Asn1443fs (NM_001193307.2); short protein forms N1443fs.
Identifiers: ClinVar variation 5003520 (VCV005003520.1).